The following is an entry in ClinVar:

NM_001130009.3(GEN1):c.1990A>G (p.Ile664Val)

Gene: GEN1 (GEN1 structure-specific endonuclease; plus strand). Cytogenetic location: 2p24.2.
Variant type: single nucleotide variant.
Coding change: c.1990A>G on transcript NM_001130009.3 (MANE Select); coding-DNA position 1990, A replaced by G.
Protein change: p.Ile664Val; replaces isoleucine 664 with valine.
Molecular consequence: missense variant.
Genome position (GRCh38, 1-based): chr2:17,781,202, A>G. VCF-style: chr2-17781202-A-G. GRCh37 (hg19) VCF-style: chr2-17962469-A-G.
Other names: c.1990A>G, p.Ile664Val (NM_182625.5); short protein forms I664V.
Identifiers: ClinVar variation 1391975 (VCV001391975.6), dbSNP rs767832845, ClinGen allele CA1540868.

ClinVar aggregate classification (germline): Uncertain significance (1 of 4 stars; one submission).

Allele frequency attached by ClinVar (database versions not stated): gnomAD 0.00001; gnomAD exomes 0.00001 and 0.00002; ExAC 0.00002.
gnomAD v4.1: 22 of 1,613,604 alleles (0.0014%); highest among the groups gnomAD compares: South Asian, 0.0011%; no homozygotes.

Submission:

Labcorp Genetics (formerly Invitae), Labcorp
Classification: Uncertain significance. Last evaluated: 2021-09-17. Review status: criteria provided, single submitter. Criteria: Invitae Variant Classification Sherloc (09022015). Collection method: clinical testing. Allele origin: germline.
Comment: This sequence change replaces isoleucine with valine at codon 664 of the GEN1 protein (p.Ile664Val). The isoleucine residue is moderately conserved and there is a small physicochemical difference between isoleucine and valine. This variant is present in population databases (rs767832845, ExAC 0.003%). This variant has not been reported in the literature in individuals affected with GEN1-related conditions. Algorithms developed to predict the effect of missense changes on protein structure and function are either unavailable or do not agree on the potential impact of this missense change (SIFT: "Deleterious"; PolyPhen-2: "Benign"; Align-GVGD: "Class C0"). In summary, the available evidence is currently insufficient to determine the role of this variant in disease. Therefore, it has been classified as a Variant of Uncertain Significance.